The following is an entry in ClinVar:

NM_001018111.3(PODXL):c.488G>A (p.Ser163Asn)

Gene: PODXL (podocalyxin like; minus strand). Cytogenetic location: 7q32.3.
Variant type: single nucleotide variant.
Coding change: c.488G>A on transcript NM_001018111.3 (MANE Select); coding-DNA position 488, G replaced by A.
Protein change: p.Ser163Asn; replaces serine 163 with asparagine.
Molecular consequence: missense variant.
Genome position (GRCh38, 1-based): chr7:131,511,046, C>T on the plus strand (G>A on the coding strand, the complement: PODXL is on the minus strand). VCF-style: chr7-131511046-C-T. GRCh37 (hg19) VCF-style: chr7-131195805-C-T.
Other names: p.Ser163Asn; c.488G>A, p.Ser163Asn (NM_005397.4); short protein forms S163N.
Identifiers: ClinVar variation 3000086 (VCV003000086.4), dbSNP rs762024541, ClinGen allele CA4488690.
Genomic context (GRCh38, chr7:131,511,046, plus strand): 5'-GGGTGAGGGGTCGTCAGATGTTCTGCCTTAGTGGATGTGAGGTCTGTGGTCACACTGTGG[C>T]TGCTTTTCCCCCCAGAGTTTGTTGTATCTTCTGCTCCATTCTGGCTGCTTGTGGTGTTAG-3'
Protein context (NP_001018121.1, residues 153-173): EDTTNSGGKS[Ser163Asn]HSVTTDLTST

ClinVar aggregate classification (germline): Conflicting classifications of pathogenicity. Review status: criteria provided, conflicting classifications (1 of 4 stars). 2 submissions from 2 submitters: Uncertain significance (1); Likely benign (1). Last evaluated 2025-02-01.

Allele frequency attached by ClinVar (database versions not stated): gnomAD 0.00001; gnomAD exomes 0.00001; TOPMed 0.00004; ExAC 0.00010.

Submissions (2):

Mayo Clinic Laboratories, Mayo Clinic
Classification: Uncertain significance. Last evaluated: 2025-02-01. Review status: criteria provided, single submitter. Criteria: ACMG Guidelines, 2015. Collection method: clinical testing. Allele origin: germline. Observed: 1 variant allele.
Comment: BP4

Labcorp Genetics (formerly Invitae), Labcorp
Classification: Likely benign. Last evaluated: 2024-06-03. Review status: criteria provided, single submitter. Criteria: Invitae Variant Classification Sherloc (09022015). Collection method: clinical testing. Allele origin: germline.